The following is an entry in ClinVar:

NM_001849.4(COL6A2):c.2524G>A (p.Glu842Lys)

Gene: COL6A2 (collagen type VI alpha 2 chain; plus strand). Cytogenetic location: 21q22.3.
Variant type: single nucleotide variant.
Coding change: c.2524G>A on transcript NM_001849.4 (MANE Select); coding-DNA position 2524, G replaced by A.
Protein change: p.Glu842Lys; replaces glutamic acid 842 with lysine.
Molecular consequence: missense variant.
Genome position (GRCh38, 1-based): chr21:46,132,016, G>A. VCF-style: chr21-46132016-G-A. GRCh37 (hg19) VCF-style: chr21-47551930-G-A.
Other names: short protein forms E842K.
Identifiers: ClinVar variation 542967 (VCV000542967.10), dbSNP rs571051982, ClinGen allele CA10072917.

ClinVar aggregate classification (germline): Conflicting classifications of pathogenicity. Review status: criteria provided, conflicting classifications (1 of 4 stars). 2 submissions from 2 submitters: Uncertain significance (1); Benign (1). Last evaluated 2025-10-06.

Conditions:
Inborn genetic diseases. Identifiers: MedGen C0950123, MeSH D030342.
Bethlem myopathy 1A. Also called: MYOPATHY, BENIGN CONGENITAL, WITH CONTRACTURES; Bethlem Muscular Dystrophy; Bethlem myopathy 1. Identifiers: Orphanet 610, MedGen CN029274, MONDO:0024530, OMIM 158810.

Allele frequency attached by ClinVar (database versions not stated): gnomAD 0.00004 and 0.00005; TOPMed 0.00005; ExAC 0.00006; 1000 Genomes Project 30x 0.00016; 1000 Genomes Project 0.00020.
gnomAD v4.1: 42 of 1,609,416 alleles (0.0026%); highest among the groups gnomAD compares: Admixed American, 0.0067%; no homozygotes.

Submissions (2):

Ambry Genetics
Classification: Uncertain significance for Inborn genetic diseases. Last evaluated: 2025-10-06. Review status: criteria provided, single submitter. Criteria: Ambry Variant Classification Scheme 2023. Collection method: clinical testing. Allele origin: germline.
Comment: The c.2524G>A (p.E842K) alteration is located in exon 28 (coding exon 27) of the COL6A2 gene. This alteration results from a G to A substitution at nucleotide position 2524, causing the glutamic acid (E) at amino acid position 842 to be replaced by a lysine (K). Based on data from gnomAD, the A allele has an overall frequency of 0.004% (10/238620) total alleles studied. The highest observed frequency was 0.013% (2/14888) of African alleles. Based on insufficient or conflicting evidence, the clinical significance of this alteration remains unclear.

Labcorp Genetics (formerly Invitae), Labcorp
Classification: Benign for Bethlem myopathy 1A. Last evaluated: 2025-08-29. Review status: criteria provided, single submitter. Criteria: Invitae Variant Classification Sherloc (09022015). Collection method: clinical testing. Allele origin: germline.